The following is an entry in ClinVar:

NM_024665.7(TBL1XR1):c.192T>G (p.Val64=)

Gene: TBL1XR1 (TBL1X/Y related 1; minus strand). Cytogenetic location: 3q26.32.
Variant type: single nucleotide variant.
Coding change: c.192T>G on transcript NM_024665.7 (MANE Select); coding-DNA position 192, T replaced by G.
Protein change: p.Val64=; no amino-acid change (valine 64 retained).
Molecular consequence: synonymous variant. On other transcripts: 5 prime UTR variant (2).
Genome position (GRCh38, 1-based): chr3:177,053,785, A>C on the plus strand (T>G on the coding strand, the complement: TBL1XR1 is on the minus strand). VCF-style: chr3-177053785-A-C. GRCh37 (hg19) VCF-style: chr3-176771573-A-C.
Other names: c.192T>G, p.Val64= (NM_001321193.3, NM_001321194.3, NM_001374327.1 and 2 more transcripts); c.-70T>G (NM_001321195.3, NM_001374330.1).
Identifiers: ClinVar variation 2505999 (VCV002505999.3), dbSNP rs2473747309, ClinGen allele CA436987703.

ClinVar aggregate classification (germline): Uncertain significance. Review status: criteria provided, multiple submitters, no conflicts (2 of 4 stars). 2 submissions from 2 submitters: Uncertain significance (2). Last evaluated 2024-07-11.

Conditions:
Pierpont syndrome (PRPTS). Identifiers: Orphanet 487825, MedGen C1865644, MONDO:0011213, OMIM 602342.

Allele frequency attached by ClinVar (database versions not stated): gnomAD exomes below 0.00001.
gnomAD v4.1: 4 of 1,612,284 alleles (0.00025%); highest among the groups gnomAD compares: Non-Finnish European, 0.00025%; no homozygotes.

Submissions (2):

Labcorp Genetics (formerly Invitae), Labcorp
Classification: Uncertain significance for Pierpont syndrome. Last evaluated: 2024-07-11. Review status: criteria provided, single submitter. Criteria: Invitae Variant Classification Sherloc (09022015). Collection method: clinical testing. Allele origin: germline.
Comment: This sequence change affects codon 64 of the TBL1XR1 mRNA. It is a 'silent' change, meaning that it does not change the encoded amino acid sequence of the TBL1XR1 protein. This variant is not present in population databases (gnomAD no frequency). This variant has not been reported in the literature in individuals affected with TBL1XR1-related conditions. ClinVar contains an entry for this variant (Variation ID: 2505999). Algorithms developed to predict the effect of sequence changes on RNA splicing suggest that this variant may create or strengthen a splice site. In summary, the available evidence is currently insufficient to determine the role of this variant in disease. Therefore, it has been classified as a Variant of Uncertain Significance.

GeneDx
Classification: Uncertain significance. Last evaluated: 2022-12-14. Review status: criteria provided, single submitter. Criteria: GeneDx Variant Classification Process June 2021. Collection method: clinical testing. Allele origin: germline. Affected: yes.
Comment: Not observed at significant frequency in large population cohorts (gnomAD); In silico analysis supports a deleterious effect on splicing; Has not been previously published as pathogenic or benign to our knowledge